The following is an entry in ClinVar:

NM_000257.4(MYH7):c.1772T>C (p.Ile591Thr)

Gene: MYH7 (myosin heavy chain 7; minus strand). Cytogenetic location: 14q11.2.
Variant type: single nucleotide variant.
Coding change: c.1772T>C on transcript NM_000257.4 (MANE Select); coding-DNA position 1772, T replaced by C.
Protein change: p.Ile591Thr; replaces isoleucine 591 with threonine.
Molecular consequence: missense variant.
Genome position (GRCh38, 1-based): chr14:23,427,701, A>G on the plus strand (T>C on the coding strand, the complement: MYH7 is on the minus strand). VCF-style: chr14-23427701-A-G. GRCh37 (hg19) VCF-style: chr14-23896910-A-G.
Other names: short protein forms I591T.
Identifiers: ClinVar variation 524995 (VCV000524995.20), dbSNP rs775089432, ClinGen allele CA029383.

ClinVar aggregate classification (germline): Uncertain significance. Review status: criteria provided, multiple submitters, no conflicts (2 of 4 stars). 7 submissions from 7 submitters: Uncertain significance (7). Last evaluated 2026-03-03.

Conditions:
Cardiovascular phenotype. Identifiers: MedGen CN230736.
Dilated cardiomyopathy 1S (CMD1S). Identifiers: Orphanet 154, Orphanet 54260, MedGen C1834481, MONDO:0013262, OMIM 613426.
Congenital myopathy with fiber type disproportion. Also called: Congenital fiber-type disproportion; Congenital fiber-type disproportion myopathy. Identifiers: Orphanet 2020, MedGen C0546264, MONDO:0009711. Inheritance: all.
Myosin storage myopathy (CMYO7A). Also called: SCAPULOPERONEAL SYNDROME, MYOPATHIC TYPE; MYOPATHY WITH LYSIS OF TYPE I MYOFIBRILS; SCAPULOPERONEAL MUSCULAR DYSTROPHY; MYOPATHY, HYALINE BODY, AUTOSOMAL DOMINANT; Scapuloperoneal myopathy, MYH7-related; MYH7-related late-onset scapuloperoneal muscular dystrophy. Identifiers: Orphanet 437572, Orphanet 636965, MedGen C1842160, MONDO:0008409, OMIM 608358.
Myopathy, myosin storage, autosomal recessive (CMYO7B). Also called: CONGENITAL MYOPATHY 7B, MYOSIN STORAGE, AUTOSOMAL RECESSIVE. Identifiers: Orphanet 636970, MedGen C1850709, MONDO:0009708, OMIM 255160.
Hypertrophic cardiomyopathy 1 (CMH1). Also called: Familial hypertrophic cardiomyopathy 1; MYH7-Related Familial Hypertrophic Cardiomyopathy. Identifiers: MedGen C3495498, MONDO:0008647, OMIM 192600.
MYH7-related skeletal myopathy. Also called: Myopathy, distal, 1; MYOPATHY, DISTAL, EARLY-ONSET, AUTOSOMAL DOMINANT; MYOPATHY, LATE DISTAL HEREDITARY; Laing early-onset distal myopathy; Laing distal myopathy. Identifiers: Orphanet 59135, MedGen C4552004, MONDO:0008050, OMIM 160500.
Hypertrophic cardiomyopathy. Also called: HYPERTROPHIC MYOCARDIOPATHY. Identifiers: Orphanet 217569, MedGen C0007194, MeSH D002312, MONDO:0005045, HP:0001639.
MYH7-related disorder. Also called: MYH7-related condition; MYH7-related disease; MYH7-related disorders.
Cardiomyopathy (CMYO). Also called: Cardiomyopathies. Identifiers: Orphanet 167848, MedGen C0878544, MONDO:0004994, HP:0001638. Inheritance: Various modes of inheritance.

Allele frequency attached by ClinVar (database versions not stated): ExAC 0.00001; gnomAD 0.00001; gnomAD exomes 0.00002; TOPMed 0.00002.
gnomAD v4.1: 33 of 1,614,050 alleles (0.002%); highest among the groups gnomAD compares: African/African-American, 0.0027%; no homozygotes.

Submissions (7):

PreventionGenetics, part of Exact Sciences
Classification: Uncertain significance for MYH7-related condition. Last evaluated: 2026-03-03. Review status: criteria provided, single submitter. Criteria: ACMG Guidelines, 2015. Collection method: clinical testing. Allele origin: germline.
Comment: The MYH7 c.1772T>C variant is predicted to result in the amino acid substitution p.Ile591Thr. This variant has been reported in cohorts of individuals with dilated or hypertrophic cardiomyopathy (Table S1, Waldmüller et al. 2011. PubMed ID: 21750094; Table S5, Perret et al. 2024. PubMed ID: 37904629; Hagège et al. 2024. PubMed ID: 39260623); however, this variant has also been reported in carriers who do not have hypertrophic cardiomyopathy or skeletal muscle disorders (Table S6, Park et al. 2022. PubMed ID: 34542152). This variant is reported in 0.0033% of alleles in individuals of South Asian descent in gnomAD. At this time, the clinical significance of this variant is uncertain due to the absence of conclusive functional and genetic evidence.

Color Diagnostics, LLC DBA Color Health
Classification: Uncertain significance for Cardiomyopathy. Last evaluated: 2025-07-15. Review status: criteria provided, single submitter. Criteria: ACMG Guidelines, 2015. Collection method: clinical testing. Allele origin: germline.
Comment: This missense variant replaces isoleucine with threonine at codon 591 of the MYH7 protein. Computational prediction is inconclusive regarding the impact of this variant on protein structure and function. To our knowledge, functional studies have not been reported for this variant. This variant has been reported in an individual affected with dilated cardiomyopathy (PMID: 21750094). This variant has been identified in 5/251494 chromosomes in the general population by the Genome Aggregation Database (gnomAD). The available evidence is insufficient to determine the role of this variant in disease conclusively. Therefore, this variant is classified as a Variant of Uncertain Significance.

Ambry Genetics
Classification: Uncertain significance for Cardiovascular phenotype. Last evaluated: 2025-06-24. Review status: criteria provided, single submitter. Criteria: Ambry Variant Classification Scheme 2023. Collection method: clinical testing. Allele origin: germline.
Comment: The p.I591T variant (also known as c.1772T>C), located in coding exon 14 of the MYH7 gene, results from a T to C substitution at nucleotide position 1772. The isoleucine at codon 591 is replaced by threonine, an amino acid with similar properties. This alteration is located in the myosin head domain, which contains a statistically significant clustering of pathogenic missense variants (Homburger JR et al. Proc Natl Acad Sci U S A, 2016 06;113:6701-6; Walsh R et al. Genet Med, 2017 02;19:192-203; Ambry internal data). This variant was reported in individual(s) in a hypertrophic cardiomyopathy cohort and dilated cardiomyopathy cohorts (Waldm&uuml;ller S et al. Eur J Heart Fail, 2011 Nov;13:1185-92; Perret C et al. Clin Genet, 2024 Feb;105:185-189; Hag&egrave;ge A et al. Int J Cardiol, 2024 Dec;417:132542). This amino acid position is poorly conserved in available vertebrate species. In addition, the in silico prediction for this alteration is inconclusive. Based on the available evidence, the clinical significance of this variant remains unclear.

Labcorp Genetics (formerly Invitae), Labcorp
Classification: Uncertain significance for Hypertrophic cardiomyopathy. Last evaluated: 2024-08-19. Review status: criteria provided, single submitter. Criteria: Invitae Variant Classification Sherloc (09022015). Collection method: clinical testing. Allele origin: germline.
Comment: This sequence change replaces isoleucine, which is neutral and non-polar, with threonine, which is neutral and polar, at codon 591 of the MYH7 protein (p.Ile591Thr). This variant is present in population databases (rs775089432, gnomAD 0.003%). This missense change has been observed in individual(s) with dilated cardiomyopathy (PMID: 21750094). ClinVar contains an entry for this variant (Variation ID: 524995). Invitae Evidence Modeling of protein sequence and biophysical properties (such as structural, functional, and spatial information, amino acid conservation, physicochemical variation, residue mobility, and thermodynamic stability) indicates that this missense variant is not expected to disrupt MYH7 protein function with a negative predictive value of 95%. In summary, the available evidence is currently insufficient to determine the role of this variant in disease. Therefore, it has been classified as a Variant of Uncertain Significance.

All of Us Research Program, National Institutes of Health
Classification: Uncertain significance for Cardiomyopathy. Last evaluated: 2023-12-01. Review status: criteria provided, single submitter. Criteria: ACMG Guidelines, 2015. Collection method: clinical testing. Allele origin: germline. Inheritance: Autosomal dominant inheritance. Observed: 4 variant alleles, 4 heterozygotes.
Comment: This missense variant replaces isoleucine with threonine at codon 591 of the MYH7 protein. Computational prediction is inconclusive regarding the impact of this variant on protein structure and function (internally defined REVEL score threshold 0.5 < inconclusive < 0.7, PMID: 27666373). To our knowledge, functional studies have not been reported for this variant. This variant has been reported in an individual affected with dilated cardiomyopathy (PMID: 21750094). This variant has been identified in 5/251494 chromosomes in the general population by the Genome Aggregation Database (gnomAD). The available evidence is insufficient to determine the role of this variant in disease conclusively. Therefore, this variant is classified as a Variant of Uncertain Significance.

This study involves interpretation of variants in research participants for the purpose of population health screening. Participant phenotype was not available at the time of variant classification. Additional details can be found in publication PMID: 35346344, PMCID: PMC8962531

Fulgent Genetics
Classification: Uncertain significance for MYH7-related skeletal myopathy; Myosin storage myopathy; Hypertrophic cardiomyopathy 1; Myopathy, myosin storage, autosomal recessive; Congenital myopathy 4A, autosomal dominant; Dilated cardiomyopathy 1S. Last evaluated: 2021-08-04. Review status: criteria provided, single submitter. Criteria: ACMG Guidelines, 2015. Collection method: clinical testing. Allele origin: unknown.

Blueprint Genetics
Classification: Uncertain significance. Last evaluated: 2019-02-19. Review status: criteria provided, single submitter. Criteria: ACMG Guidelines, 2015. Collection method: clinical testing. Allele origin: germline.

Literature cited by the submitters: PubMed 21750094 (cited by 4 submitters); PubMed 37904629 (cited by Ambry Genetics); PubMed 39260623 (cited by Ambry Genetics).